The following is an entry in ClinVar:

ClinVar aggregate classification (germline): no classifications from unflagged records (0 of 4 stars; one submission).

Conditions:
Atrial septal defect 5 (ASD5). Identifiers: Orphanet 1478, MedGen C2748552, MONDO:0013011, OMIM 612794.

Submission:

OMIM
Classification: Pathogenic for ATRIAL SEPTAL DEFECT 5. Last evaluated: 2008-01-15. Review status: flagged submission. Collection method: literature only. Allele origin: germline.
ClinVar note: Notes: There is insufficient evidence that pLOF variants in ACTC1 are associated to any phenotype.
ClinVar note: Reason: Claim with insufficient supporting evidence

Literature cited by the submitters: PubMed 17947298.

NM_005159.5(ACTC1):c.215_231del (p.Pro72fs)

Genes: ACTC1 (actin alpha cardiac muscle 1; minus strand), GJD2-DT (GJD2 divergent transcript; plus strand). Cytogenetic location: 15q14.
Variant type: Deletion.
Coding change: c.215_231del on transcript NM_005159.5 (MANE Select); coding-DNA positions 215 to 231, 17 bases deleted (CCATCGAGCATGGTATC).
Protein change: p.Pro72fs; shifts the reading frame from proline 72.
Molecular consequence: frameshift variant.
Genome position (GRCh38, 1-based): chr15:34,793,468-34,793,484, GATACCATGCTCGATGG deleted on the plus strand (CCATCGAGCATGGTATC on the coding strand, the reverse complement: ACTC1 is on the minus strand); deleting any 17 consecutive bases within chr15:34,793,468-34,793,489 gives the same sequence; the c. name uses the placement nearest the transcript's 3' end. VCF-style (leftmost placement, unchanged base first): chr15-34793467-TGATACCATGCTCGATGG-T. GRCh37 (hg19) VCF-style: chr15-35085668-TGATACCATGCTCGATGG-T.
Other names: c.214_230del (LRG_388t1); short protein forms P72fs.
Identifiers: ClinVar variation 18328 (VCV000018328.2), dbSNP rs387906585, ClinGen allele CA019683.